The following is an entry in ClinVar:

ClinVar aggregate classification (germline): Conflicting classifications of pathogenicity. Review status: criteria provided, conflicting classifications (1 of 4 stars). 11 submissions from 11 submitters: Uncertain significance (2); Benign (1); Likely benign (8). Last evaluated 2026-02-03.

Conditions:
Hereditary cancer-predisposing syndrome. Also called: Hereditary neoplastic syndrome; Tumor predisposition; Neoplastic Syndromes, Hereditary; Hereditary Cancer Syndrome. Identifiers: Orphanet 140162, MedGen C0027672, MeSH D009386, MONDO:0015356.
Hereditary cancer. Identifiers: MedGen C1333600.
Carcinoma of colon (CRC). Also called: Colon carcinoma; Colonic carcinoma. Identifiers: MedGen C0699790, MONDO:0002032.
Hepatocellular carcinoma (HCC). Also called: Primary carcinoma of liver; HEPATOMA; LIVER CELL CARCINOMA. Identifiers: Orphanet 88673, MedGen C2239176, MONDO:0007256, OMIM 114550, HP:0001402.
Desmoid disease, hereditary (DESMD). Also called: FIBROMATOSIS, FAMILIAL INFILTRATIVE. Identifiers: Orphanet 873, MedGen C1851124, OMIM 135290. Disease mechanism: loss of function.
Familial adenomatous polyposis 1 (FAP1). Also called: POLYPOSIS, ADENOMATOUS INTESTINAL; FAMILIAL ADENOMATOUS POLYPOSIS 1, ATTENUATED. Identifiers: MedGen C2713442, MONDO:0021056, OMIM 175100. Disease mechanism: loss of function.
Neoplasm of stomach. Also called: Gastric neoplasm; Stomach Neoplasms; Neoplasm of the stomach. Identifiers: MedGen C0038356, MONDO:0021085, HP:0006753. Disease mechanism: gain of function. Inheritance: Somatic mutation.

Allele frequency attached by ClinVar (database versions not stated): gnomAD exomes 0.00004 and 0.00002; gnomAD 0.00016 and 0.00015; ExAC 0.00008; ESP Exome Variant Server 0.00008; TOPMed 0.00015; 1000 Genomes Project 30x 0.00047; 1000 Genomes Project 0.00060.
gnomAD v4.1: 50 of 1,612,780 alleles (0.0031%); highest among the groups gnomAD compares: African/African-American, 0.063%; no homozygotes.

Submissions (11):

Labcorp Genetics (formerly Invitae), Labcorp
Classification: Likely benign for Familial adenomatous polyposis 1. Last evaluated: 2026-02-03. Review status: criteria provided, single submitter. Criteria: Invitae Variant Classification Sherloc (09022015). Collection method: clinical testing. Allele origin: germline.

Center for Genomic Medicine, Rigshospitalet, Copenhagen University Hospital
Classification: Likely benign. Last evaluated: 2025-03-04. Review status: criteria provided, single submitter. Criteria: ACMG Guidelines, 2015. Collection method: clinical testing. Allele origin: germline.

Mendelics
Classification: Likely benign for Hereditary cancer. Last evaluated: 2025-02-27. Review status: criteria provided, single submitter. Criteria: ACMG Guidelines, 2015. Collection method: clinical testing. Allele origin: unknown.
Comment: This variant is considered likely benign or benign based on one or more of the following: it is predicted to be benign by multiple in silico algorithms, and/or has population frequency not consistent with disease, and/or has normal protein function, and/or has lack of segregation with disease, and/or has been detected in co-occurrence with known pathogenic variant, and/or has lack of disease association in case-control studies, and/or is located in a region inconsistent with a known cause of pathogenicity.

Quest Diagnostics Nichols Institute San Juan Capistrano
Classification: Likely benign. Last evaluated: 2024-11-05. Review status: criteria provided, single submitter. Criteria: Quest Diagnostics criteria. Collection method: clinical testing. Allele origin: unknown.

Myriad Genetics, Inc.
Classification: Likely benign for Familial adenomatous polyposis 1. Last evaluated: 2024-03-07. Review status: criteria provided, single submitter. Criteria: Myriad Autosomal Dominant, Autosomal Recessive and X-Linked Classification Criteria (2023). Collection method: clinical testing. Allele origin: unknown.
Comment: This variant is considered likely benign. This variant has been observed at a population frequency that is significantly greater than expected given the associated disease prevalence and penetrance.

Sema4
Classification: Likely benign for Hereditary cancer-predisposing syndrome. Last evaluated: 2021-03-11. Review status: criteria provided, single submitter. Criteria: Sema4 Curation Guidelines. Collection method: curation. Allele origin: germline.

Women's Health and Genetics/Laboratory Corporation of America, LabCorp
Classification: Likely benign. Last evaluated: 2020-09-14. Review status: criteria provided, single submitter. Criteria: LabCorp Variant Classification Summary - May 2015. Collection method: clinical testing. Allele origin: germline.
Comment: Variant summary: APC c.1606G>A (p.Glu536Lys) results in a conservative amino acid change in the encoded protein sequence. Three of five in-silico tools predict a damaging effect of the variant on protein function. The variant allele was found at a frequency of 4.4e-05 in 250728 control chromosomes, predominantly at a frequency of 0.00068 within the African or African-American subpopulation in the gnomAD database. The observed variant frequency within African or African-American control individuals in the gnomAD database is approximately 10 fold of the estimated maximal expected allele frequency for a pathogenic variant in APC causing Familial Adenomatous Polyposis phenotype (7.1e-05), strongly suggesting that the variant is a benign polymorphism found primarily in populations of African or African-American origin. c.1606G>A has been reported in the literature in individuals affected with breast cancer, colon cancer, and in an individual with a personal- or family history of Lynch syndrome (Tung_2014, Yurgelun_2015, Pearlman_2016). These report(s) do not provide unequivocal conclusions about association of the variant with Familial Adenomatous Polyposis. To our knowledge, no experimental evidence demonstrating an impact on protein function has been reported. Seven clinical diagnostic laboratories have submitted clinical-significance assessments for this variant to ClinVar after 2014 without evidence for independent evaluation. Multiple laboratories reported the variant with conflicting assessments to include two submitters who have re-classified this variant as likely benign since our previous evaluation. (VUS, n=5, likely benign, n=2). Some submitters cite overlapping evidence utilized in the context of our evaluation. Based on the evidence outlined above, and the emerging transition in its classification, this variant was re-classified as likely benign.

Ambry Genetics
Classification: Benign for Hereditary cancer-predisposing syndrome. Last evaluated: 2020-07-13. Review status: criteria provided, single submitter. Criteria: Ambry Variant Classification Scheme 2023. Collection method: clinical testing. Allele origin: germline.

Color Diagnostics, LLC DBA Color Health
Classification: Likely benign for Hereditary cancer-predisposing syndrome. Last evaluated: 2020-01-24. Review status: criteria provided, single submitter. Criteria: ACMG Guidelines, 2015. Collection method: clinical testing. Allele origin: germline.

GeneDx
Classification: Uncertain significance. Last evaluated: 2019-01-07. Review status: criteria provided, single submitter. Criteria: GeneDx Variant Classification (06012015). Collection method: clinical testing. Allele origin: germline. Affected: yes.
Comment: This variant is denoted APC c.1606G>A at the cDNA level, p.Glu536Lys (E536K) at the protein level, and results in the change of a Glutamic Acid to a Lysine (GAA>AAA). This variant has been reported in an individual with colon cancer, a patient with a personal history of a Lynch syndrome-associated cancer and/or polyps, and in two individuals with breast cancer (Tung 2015, Yurgelun 2015, Pearlman 2017). APC Glu536Lys was observed at an allele frequency of 0.08% (20/24,026 alleles) in individuals of African ancestry in large population cohorts (Lek 2016). This variant is located within the armadillo region (Azzopardi 2008). In silico analysis, which includes protein predictors and evolutionary conservation, supports a deleterious effect. Based on currently available evidence, it is unclear whether APC Glu536Lys is a pathogenic or benign variant. We consider it to be a variant of uncertain significance.

Fulgent Genetics
Classification: Uncertain significance for Colorectal cancer; Hepatocellular carcinoma; Desmoid disease, hereditary; Familial adenomatous polyposis 1; Gastric cancer. Last evaluated: 2018-10-31. Review status: criteria provided, single submitter. Criteria: ACMG Guidelines, 2015. Collection method: clinical testing. Allele origin: unknown.

Literature cited by the submitters: PubMed 36898365 (cited by Quest Diagnostics Nichols Institute San Juan Capistrano); PubMed 25980754 (cited by 4 submitters); PubMed 27978560 (cited by 4 submitters); PubMed 34106356 (cited by Quest Diagnostics Nichols Institute San Juan Capistrano); PubMed 26692440 (cited by Quest Diagnostics Nichols Institute San Juan Capistrano); PubMed 25186627 (cited by 3 submitters).

NM_000038.6(APC):c.1606G>A (p.Glu536Lys)

Gene: APC (APC regulator of Wnt signaling pathway; plus strand). Cytogenetic location: 5q22.2.
Variant type: single nucleotide variant.
Coding change: c.1606G>A on transcript NM_000038.6 (MANE Select); coding-DNA position 1606, G replaced by A.
Protein change: p.Glu536Lys; replaces glutamic acid 536 with lysine.
Molecular consequence: missense variant.
Genome position (GRCh38, 1-based): chr5:112,827,986, G>A. VCF-style: chr5-112827986-G-A. GRCh37 (hg19) VCF-style: chr5-112163683-G-A.
Other names: c.1606G>A, p.Glu536Lys (NM_001127510.3, NM_001354895.2); c.1552G>A, p.Glu518Lys (NM_001127511.3); c.1660G>A, p.Glu554Lys (NM_001354896.2); c.1636G>A, p.Glu546Lys (NM_001354897.2); c.1531G>A, p.Glu511Lys (NM_001354898.2); c.1522G>A, p.Glu508Lys (NM_001354899.2); c.1483G>A, p.Glu495Lys (NM_001354900.2); c.1429G>A, p.Glu477Lys (NM_001354901.2); and 5 more; short protein forms E518K, E536K, E435K, E445K, E495K, E508K, E376K, E410K.
Identifiers: ClinVar variation 216151 (VCV000216151.28), dbSNP rs138098808, ClinGen allele CA028603.